The following is an entry in ClinVar:

ClinVar aggregate classification (germline): Uncertain significance (1 of 4 stars; one submission).

Submission:

GeneDx
Classification: Uncertain significance. Last evaluated: 2023-11-08. Review status: criteria provided, single submitter. Criteria: GeneDx Variant Classification Process June 2021. Collection method: clinical testing. Allele origin: germline. Affected: yes.
Comment: Not observed at significant frequency in large population cohorts (gnomAD); In silico analysis supports that this missense variant does not alter protein structure/function; Has not been previously published as pathogenic or benign to our knowledge

NM_001349338.3(FOXP1):c.861A>T (p.Lys287Asn)

Gene: FOXP1 (forkhead box P1; minus strand). Cytogenetic location: 3p13.
Variant type: single nucleotide variant.
Coding change: c.861A>T on transcript NM_001349338.3 (MANE Select); coding-DNA position 861, A replaced by T.
Protein change: p.Lys287Asn; replaces lysine 287 with asparagine.
Molecular consequence: missense variant. On other transcripts: non-coding transcript variant (2).
Genome position (GRCh38, 1-based): chr3:71,041,336, T>A on the plus strand (A>T on the coding strand, the complement: FOXP1 is on the minus strand). VCF-style: chr3-71041336-T-A. GRCh37 (hg19) VCF-style: chr3-71090487-T-A.
Other names: c.861A>T, p.Lys287Asn (NM_001244808.3, NM_001244810.2, NM_001244814.3 and 3 more transcripts); c.633A>T, p.Lys211Asn (NM_001244812.3); c.561A>T, p.Lys187Asn (NM_001244813.3, NM_001244815.2, NM_001349342.3 and 1 more transcripts); c.558A>T, p.Lys186Asn (NM_001349337.2, NM_001349343.3, NM_001349344.3); c.858A>T, p.Lys286Asn (NM_001349341.3); short protein forms K186N, K187N, K211N, K286N, K287N.
Identifiers: ClinVar variation 3363684 (VCV003363684.1).